The following is an entry in ClinVar:

ClinVar aggregate classification (germline): Pathogenic. Review status: criteria provided, multiple submitters, no conflicts (2 of 4 stars). 5 submissions from 5 submitters: Pathogenic (5). Last evaluated 2026-05-15.

Conditions:
Primary ciliary dyskinesia 9. Also called: CILIARY DYSKINESIA, PRIMARY, 9, WITH OR WITHOUT SITUS INVERSUS. Identifiers: Orphanet 244, MedGen C2676235, MONDO:0012906, OMIM 612444.
DNAI2-related disorder. Also called: DNAI2-related condition.
Primary ciliary dyskinesia. Also called: Ciliary dyskinesia. Identifiers: Orphanet 244, MedGen C0008780, MONDO:0016575, HP:0012265.

Allele frequency attached by ClinVar (database versions not stated): ExAC 0.00002; 1000 Genomes Project 0.00020; gnomAD exomes 0.00004; 1000 Genomes Project 30x 0.00016.

Submissions (5):

PreventionGenetics, part of Exact Sciences
Classification: Pathogenic for DNAI2-related condition. Last evaluated: 2026-05-15. Review status: criteria provided, single submitter. Criteria: ACMG Guidelines, 2015. Collection method: clinical testing. Allele origin: germline.
Comment: The DNAI2 c.739C>T variant is predicted to result in premature protein termination (p.Arg247*). This variant has been reported in the homozygous state in an individual with primary ciliary dyskinesia (Kim et al. 2014. PubMed ID: 24498942). This variant is reported in 0.023% of alleles in individuals of South Asian descent in gnomAD. Nonsense variants in DNAI2 are expected to be pathogenic. This variant is interpreted as pathogenic.

Natera, Inc.
Classification: Pathogenic for Primary ciliary dyskinesia. Last evaluated: 2025-09-22. Review status: criteria provided, single submitter. Criteria: Natera Variant Classification Schema (03/2026). Collection method: clinical testing. Allele origin: germline.
Comment: The c.739C>T variant in DNAI2 is a nonsense variant predicted to introduce a stop codon at amino acid 247. This variant is expected to result in nonsense mediated decay, truncation, or a dysfunctional protein product. This variant is rare in the general population with a frequency below the threshold expected for the associated phenotype(s). This variant has been observed in one or more individuals affected with the associated recessive disease, as either homozygous or compound heterozygous with a second variant (PMID: 24498942). Given the available evidence, this variant is classified as Pathogenic.

Labcorp Genetics (formerly Invitae), Labcorp
Classification: Pathogenic for Primary ciliary dyskinesia. Last evaluated: 2024-05-22. Review status: criteria provided, single submitter. Criteria: Invitae Variant Classification Sherloc (09022015). Collection method: clinical testing. Allele origin: germline.
Comment: This sequence change creates a premature translational stop signal (p.Arg247*) in the DNAI2 gene. It is expected to result in an absent or disrupted protein product. Loss-of-function variants in DNAI2 are known to be pathogenic (PMID: 18950741, 23891469). This variant is present in population databases (rs545536618, gnomAD 0.02%). This premature translational stop signal has been observed in individual(s) with primary ciliary dyskinesia (PMID: 24498942). ClinVar contains an entry for this variant (Variation ID: 1075745). For these reasons, this variant has been classified as Pathogenic.

Myriad Genetics, Inc.
Classification: Pathogenic for Primary ciliary dyskinesia 9. Last evaluated: 2024-05-14. Review status: criteria provided, single submitter. Criteria: Myriad Autosomal Dominant, Autosomal Recessive and X-Linked Classification Criteria (2023). Collection method: clinical testing. Allele origin: unknown.
Comment: NM_023036.4(DNAI2):c.739C>T(R247*) is expected to be pathogenic in the context of primary ciliary dyskinesia, DNAI2-related. This variant is predicted to lead to an abnormal or absent protein product due to the creation of a premature termination codon in DNAI2, a gene where loss-of-function variants are known to be pathogenic. Please note: this variant was assessed in the context of healthy population screening.

Fulgent Genetics
Classification: Pathogenic for Primary ciliary dyskinesia 9. Last evaluated: 2024-04-23. Review status: criteria provided, single submitter. Criteria: ACMG Guidelines, 2015. Collection method: clinical testing. Allele origin: germline.

Literature cited by the submitters: PubMed 24498942 (cited by Natera, Inc. and Labcorp Genetics (formerly Invitae), Labcorp); PubMed 18950741 (cited by Labcorp Genetics (formerly Invitae), Labcorp); PubMed 23891469 (cited by Labcorp Genetics (formerly Invitae), Labcorp).

NM_023036.6(DNAI2):c.739C>T (p.Arg247Ter)

Gene: DNAI2 (dynein axonemal intermediate chain 2; plus strand). Cytogenetic location: 17q25.1.
Variant type: single nucleotide variant.
Coding change: c.739C>T on transcript NM_023036.6 (MANE Select); coding-DNA position 739, C replaced by T.
Protein change: p.Arg247Ter; replaces arginine 247 with a stop codon.
Molecular consequence: nonsense. On other transcripts: non-coding transcript variant (1).
Genome position (GRCh38, 1-based): chr17:74,299,732, C>T. VCF-style: chr17-74299732-C-T. GRCh37 (hg19) VCF-style: chr17-72295871-C-T.
Other names: c.739C>T, p.Arg247Ter (NM_001172810.3, NM_001353167.2); c.739C>T (NM_023036.4, NM_023036.5); short protein forms R247*.
Identifiers: ClinVar variation 1075745 (VCV001075745.15), dbSNP rs545536618, ClinGen allele CA8745480.